The following is an entry in ClinVar:

ClinVar aggregate classification (germline): Uncertain significance. Review status: criteria provided, single submitter (1 of 4 stars). 3 submissions from 3 submitters: Uncertain significance (1). 2 of the submissions do not count toward it. Last evaluated 2023-11-12.

Conditions:
Presynaptic congenital myasthenic syndrome. Also called: Presynaptic congenital myasthenic syndromes. Identifiers: Orphanet 98914, MedGen C0751884, MONDO:0700466, MONDO:0020345.

Allele frequency attached by ClinVar (database versions not stated): gnomAD 0.00002 and 0.00003; TOPMed 0.00003; gnomAD exomes 0.00004 and 0.00009; ExAC 0.00010.
gnomAD v4.1: 66 of 1,606,064 alleles (0.0041%); highest among the groups gnomAD compares: South Asian, 0.044%; no homozygotes.

Submissions (3):

Labcorp Genetics (formerly Invitae), Labcorp
Classification: Uncertain significance. Last evaluated: 2023-11-12. Review status: criteria provided, single submitter. Criteria: Invitae Variant Classification Sherloc (09022015). Collection method: clinical testing. Allele origin: germline.
Comment: This sequence change replaces arginine, which is basic and polar, with tryptophan, which is neutral and slightly polar, at codon 2659 of the LAMA5 protein (p.Arg2659Trp). This variant is present in population databases (rs201012962, gnomAD 0.05%). This missense change has been observed in individual(s) with clinical features of LAMA5-related conditions (PMID: 28544784). ClinVar contains an entry for this variant (Variation ID: 619598). Advanced modeling of protein sequence and biophysical properties (such as structural, functional, and spatial information, amino acid conservation, physicochemical variation, residue mobility, and thermodynamic stability) performed at Invitae indicates that this missense variant is not expected to disrupt LAMA5 protein function with a negative predictive value of 80%. In summary, the available evidence is currently insufficient to determine the role of this variant in disease. Therefore, it has been classified as a Variant of Uncertain Significance.

OMIM
Classification: Uncertain significance for VARIANT OF UNKNOWN SIGNIFICANCE. Last evaluated: 2023-11-02. Review status: no assertion criteria provided. Collection method: literature only. Allele origin: germline. Not counted in ClinVar's aggregate classification.

University of Washington Center for Mendelian Genomics, University of Washington
Classification: Likely pathogenic for presynaptic congenital myasthenic syndrome. Review status: no assertion criteria provided. Collection method: research. Allele origin: inherited. Affected: yes. Not counted in ClinVar's aggregate classification.

Literature cited by the submitters: PubMed 28544784 (cited by 3 submitters); PubMed 29377152 (cited by OMIM).

NM_005560.6(LAMA5):c.7975C>T (p.Arg2659Trp)

Gene: LAMA5 (laminin subunit alpha 5; minus strand). Cytogenetic location: 20q13.33.
Variant type: single nucleotide variant.
Coding change: c.7975C>T on transcript NM_005560.6 (MANE Select); coding-DNA position 7975, C replaced by T.
Protein change: p.Arg2659Trp; replaces arginine 2659 with tryptophan.
Molecular consequence: missense variant.
Genome position (GRCh38, 1-based): chr20:62,315,100, G>A on the plus strand (C>T on the coding strand, the complement: LAMA5 is on the minus strand). VCF-style: chr20-62315100-G-A. GRCh37 (hg19) VCF-style: chr20-60890156-G-A.
Other names: LAMA5, ARG2659TRP (rs201012962); short protein forms R2659W.
Identifiers: ClinVar variation 619598 (VCV000619598.5), dbSNP rs201012962, ClinGen allele CA9940941.